The following is an entry in ClinVar:

NM_001374736.1(DST):c.20971G>A (p.Asp6991Asn)

Gene: DST (dystonin; minus strand). Cytogenetic location: 6p12.1.
Variant type: single nucleotide variant.
Coding change: c.20971G>A on transcript NM_001374736.1 (MANE Select); coding-DNA position 20971, G replaced by A.
Protein change: p.Asp6991Asn; replaces aspartic acid 6991 with asparagine.
Molecular consequence: missense variant.
Genome position (GRCh38, 1-based): chr6:56,487,180, C>T on the plus strand (G>A on the coding strand, the complement: DST is on the minus strand). VCF-style: chr6-56487180-C-T. GRCh37 (hg19) VCF-style: chr6-56351978-C-T.
Other names: c.14614G>A, p.Asp4872Asn (NM_001144769.5); c.14200G>A, p.Asp4734Asn (NM_001144770.2); c.20971G>A, p.Asp6991Asn (NM_001374722.1); c.20011G>A, p.Asp6671Asn (NM_001374729.1); c.13753G>A, p.Asp4585Asn (NM_001374730.1); c.20998G>A, p.Asp7000Asn (NM_001374734.1); c.14080G>A, p.Asp4694Asn (NM_001386100.1, NM_183380.4); c.13102G>A, p.Asp4368Asn (NM_015548.5); short protein forms D4694N, D4872N, D7000N, D4585N, D4734N, D4368N, D6671N, D6991N.
Identifiers: ClinVar variation 1524620 (VCV001524620.6), dbSNP rs1163854392, ClinGen allele CA364513113.

ClinVar aggregate classification (germline): Uncertain significance (1 of 4 stars; one submission).

Conditions:
Hereditary sensory and autonomic neuropathy type 6. Also called: HSAN VI; Neuropathy, hereditary sensory and autonomic, type VI. Identifiers: Orphanet 314381, MedGen C3539003, MONDO:0013839, OMIM 614653.
Epidermolysis bullosa simplex 3, localized or generalized intermediate, with BP230 deficiency (EBS3). Also called: Epidermolysis bullosa simplex due to BP230 deficiency; Epidermolysis bullosa simplex, autosomal recessive 2. Identifiers: Orphanet 412181, MedGen C3809470, MONDO:0014180, OMIM 615425.

Allele frequency attached by ClinVar (database versions not stated): gnomAD exomes below 0.00001.
gnomAD v4.1: 2 of 1,613,926 alleles (0.00012%); highest among the groups gnomAD compares: Non-Finnish European, 0.00017%; no homozygotes.

Submission:

Labcorp Genetics (formerly Invitae), Labcorp
Classification: Uncertain significance for Epidermolysis bullosa simplex 3, localized or generalized intermediate, with BP230 deficiency; Hereditary sensory and autonomic neuropathy type 6. Last evaluated: 2020-11-02. Review status: criteria provided, single submitter. Criteria: Invitae Variant Classification Sherloc (09022015). Collection method: clinical testing. Allele origin: germline.
Comment: In summary, the available evidence is currently insufficient to determine the role of this variant in disease. Therefore, it has been classified as a Variant of Uncertain Significance. Experimental studies and prediction algorithms are not available or were not evaluated, and the functional significance of this variant is currently unknown. This variant has not been reported in the literature in individuals with DST-related conditions. This variant is not present in population databases (ExAC no frequency). This sequence change replaces aspartic acid with asparagine at codon 4368 of the DST protein (p.Asp4368Asn). The DST gene has multiple clinically relevant transcripts. This variant occurs in alternate transcript NM_015548.4, and corresponds to NM_001723.5:c.*128337G>A in the primary transcript.